The following is an entry in ClinVar:

ClinVar aggregate classification (germline): Uncertain significance (1 of 4 stars; one submission).

Submission:

Labcorp Genetics (formerly Invitae), Labcorp
Classification: Uncertain significance. Last evaluated: 2022-09-06. Review status: criteria provided, single submitter. Criteria: Invitae Variant Classification Sherloc (09022015). Collection method: clinical testing. Allele origin: germline.
Comment: This sequence change replaces glutamine, which is neutral and polar, with histidine, which is basic and polar, at codon 1364 of the ABCA4 protein (p.Gln1364His). This variant is not present in population databases (gnomAD no frequency). This variant has not been reported in the literature in individuals affected with ABCA4-related conditions. ClinVar contains an entry for this variant (Variation ID: 1465680). Advanced modeling of protein sequence and biophysical properties (such as structural, functional, and spatial information, amino acid conservation, physicochemical variation, residue mobility, and thermodynamic stability) performed at Invitae indicates that this missense variant is not expected to disrupt ABCA4 protein function. In summary, the available evidence is currently insufficient to determine the role of this variant in disease. Therefore, it has been classified as a Variant of Uncertain Significance.

NM_000350.3(ABCA4):c.4092A>C (p.Gln1364His)

Gene: ABCA4 (ATP binding cassette subfamily A member 4; minus strand). Cytogenetic location: 1p22.1.
Variant type: single nucleotide variant.
Coding change: c.4092A>C on transcript NM_000350.3 (MANE Select); coding-DNA position 4092, A replaced by C.
Protein change: p.Gln1364His; replaces glutamine 1364 with histidine.
Molecular consequence: missense variant.
Genome position (GRCh38, 1-based): chr1:94,031,814, T>G on the plus strand (A>C on the coding strand, the complement: ABCA4 is on the minus strand). VCF-style: chr1-94031814-T-G. GRCh37 (hg19) VCF-style: chr1-94497370-T-G.
Other names: c.3870A>C, p.Gln1290His (NM_001425324.1); short protein forms Q1364H, Q1290H.
Identifiers: ClinVar variation 1465680 (VCV001465680.3), dbSNP rs1660212835, ClinGen allele CA341286877.
Genomic context (GRCh38, chr1:94,031,814, plus strand): 5'-CTAAACACCGACCGACAATAGTACCTGCGCCAGGAAGTCCTTGTGGCTGCGGATGGTGTG[T>G]TGGAATCTCTTGACCAGCAGCGCCTGCACATGCTGGAGGACCAGCTGTGTCCCCGTGTTG-3'
Protein context (NP_000341.2, residues 1354-1374): HVQALLVKRF[Gln1364His]HTIRSHKDFL